The following is an entry in ClinVar:

ClinVar aggregate classification (germline): Conflicting classifications of pathogenicity. Review status: criteria provided, conflicting classifications (1 of 4 stars). 8 submissions from 8 submitters: Uncertain significance (6); Likely benign (1). 1 of the submissions does not count toward it. Last evaluated 2026-01-21.

Conditions:
Familial cancer of breast. Also called: hereditary breast carcinoma; BREAST CANCER, FAMILIAL; Hereditary breast cancer. Identifiers: Orphanet 227535, MedGen C0346153, MONDO:0016419, OMIM 114480. Disease mechanism: loss of function.
Hereditary cancer-predisposing syndrome. Also called: Hereditary Cancer Syndrome; Hereditary neoplastic syndrome; Neoplastic Syndromes, Hereditary; Tumor predisposition. Identifiers: Orphanet 140162, MedGen C0027672, MeSH D009386, MONDO:0015356.
Hereditary breast ovarian cancer syndrome. Also called: BRCA1- and BRCA2-Associated Hereditary Breast and Ovarian Cancer; Hereditary breast and ovarian cancer syndrome; Hereditary breast and ovarian cancer syndrome (HBOC); Breast and ovarian cancer; Hereditary breast and/or ovarian cancer syndrome; Hereditary breast and ovarian cancer. Identifiers: Orphanet 145, MedGen C0677776, MeSH D061325, MONDO:0003582. Disease mechanism: loss of function.
Breast-ovarian cancer, familial, susceptibility to, 1 (BROVCA1). Also called: BRCA1 Hereditary Breast and Ovarian Cancer; OVARIAN CANCER, SUSCEPTIBILITY TO. Identifiers: Orphanet 145, MedGen C2676676, MONDO:0011450, OMIM 604370. Disease mechanism: loss of function.

Allele frequency attached by ClinVar (database versions not stated): gnomAD exomes below 0.00001.
gnomAD v4.1: 3 of 1,609,168 alleles (0.00019%); highest among the groups gnomAD compares: Non-Finnish European, 0.00026%; no homozygotes.

Submissions (9):

Labcorp Genetics (formerly Invitae), Labcorp
Classification: Uncertain significance for Hereditary breast ovarian cancer syndrome. Last evaluated: 2026-01-21. Review status: criteria provided, single submitter. Criteria: Invitae Variant Classification Sherloc (09022015). Collection method: clinical testing. Allele origin: germline.
Comment: This sequence change replaces threonine, which is neutral and polar, with alanine, which is neutral and non-polar, at codon 1691 of the BRCA1 protein (p.Thr1691Ala). This variant is not present in population databases (gnomAD no frequency). This missense change has been observed in individual(s) with breast and/or ovarian cancer (PMID: 24504028, 34597585). ClinVar contains an entry for this variant (Variation ID: 55371). Invitae Evidence Modeling incorporating data from in vitro experimental studies (PMID: 30209399) indicates that this missense variant is expected to disrupt BRCA1 function with a positive predictive value of 95%. Experimental studies are conflicting or provide insufficient evidence to determine the effect of this variant on BRCA1 function (PMID: 30209399, 30257991, 32546644). In summary, the available evidence is currently insufficient to determine the role of this variant in disease. Therefore, it has been classified as a Variant of Uncertain Significance.

Color Diagnostics, LLC DBA Color Health
Classification: Uncertain significance for Hereditary cancer-predisposing syndrome. Last evaluated: 2025-06-23. Review status: criteria provided, single submitter. Criteria: ACMG Guidelines, 2015. Collection method: clinical testing. Allele origin: germline.
Comment: This missense variant replaces threonine with alanine at codon 1691 of the BRCA1 protein. Computational prediction suggests that this variant may have deleterious impact on protein structure and function. Functional studies have reported that the mutant protein exhibits normal function in homology-directed repair, subcellular localization and phosphopeptide binding assays (PMID: 30257991) and retains intermediate activity in a haploid cell proliferation assay (PMID: 30209399). This variant has been reported in an individual affected with ovarian cancer (PMID 24504028). This variant has not been identified in the general population by the Genome Aggregation Database (gnomAD). The available evidence is insufficient to determine the role of this variant in disease conclusively. Therefore, this variant is classified as a Variant of Uncertain Significance.

MGZ Medical Genetics Center
Classification: Uncertain significance for Familial cancer of breast. Last evaluated: 2024-02-09. Review status: criteria provided, single submitter. Criteria: CSpec BRCA1/2ACMG Rules Specifications V1.1.0. Collection method: clinical testing. Allele origin: germline. Affected: yes.
Comment: ACMG codes applied following ENIGMA VCEP rules: PM2_SUP

Baylor Genetics
Classification: Uncertain significance for Breast-ovarian cancer, familial, susceptibility to, 1. Last evaluated: 2024-01-26. Review status: criteria provided, single submitter. Criteria: ACMG Guidelines, 2015. Collection method: clinical testing. Allele origin: unknown.

Ambry Genetics
Classification: Likely benign for Hereditary cancer-predisposing syndrome. Last evaluated: 2020-03-31. Review status: criteria provided, single submitter. Criteria: Ambry Variant Classification Scheme 2023. Collection method: clinical testing. Allele origin: germline.

Women's Health and Genetics/Laboratory Corporation of America, LabCorp
Classification: Uncertain significance. Last evaluated: 2016-07-12. Review status: criteria provided, single submitter. Criteria: LabCorp Variant Classification Summary - May 2015. Collection method: clinical testing. Allele origin: germline.
Comment: Variant summary: The BRCA1 c.5071A>G (p.Thr1691Ala) variant involves the alteration of a conserved nucleotide located in BRCT domain. p.Thr1691Ala was predicted to destabilize the BRCT domain and could have a functional impact (Caputo_2012). 3/4 in silico tools predict a damaging outcome for this variant (SNPs&GO not captured due to low reliability index). 3/5 splice prediction tools predict no significant impact on normal splicing, which was confirmed by RNA analysis in patient's T lymphoctes (Houdayer_2012). This variant is absent in 121146 control chromosomes. This variant has been reported in patients in literature or databases without convincing evidence supporting pathogenicity of this variant. Taken together, this variant is classified as VUS until more information is available.

GeneDx
Classification: Uncertain significance. Last evaluated: 2016-02-04. Review status: criteria provided, single submitter. Criteria: GeneDx Variant Classification (06012015). Collection method: clinical testing. Allele origin: germline. Affected: yes.
Comment: This variant is denoted BRCA1 c.5071A>G at the cDNA level, p.Thr1691Ala (T1691A) at the protein level, and results in the change of a Threonine to an Alanine (ACA>GCA). This variant, also known as BRCA1 5190A>G using alternate nomenclature, was reported to be associated with RNA similar to wild type in a study of splicing defects using stimulated lymphocytes (Houdayer 2012). BRCA1 Thr1691Ala was not observed in approximately 6,500 individuals of European and African American ancestry in the NHLBI Exome Sequencing Project, suggesting it is not a common benign variant in these populations. Since Threonine and Alanine differ in polarity, charge, size or other properties, this is considered a non-conservative amino acid substitution. BRCA1 Thr1691Ala occurs at a position that is conserved in mammals and is located within the BRCT1 domain (UniProt). In silico analyses predict that this variant is probably damaging to protein structure and function. Based on currently available information, it is unclear whether BRCA1 Thr1691Ala is pathogenic or benign. We consider it to be a variant of uncertain significance.

Counsyl
Classification: Uncertain significance for Breast-ovarian cancer, familial, susceptibility to, 1. Last evaluated: 2017-03-23. Review status: no assertion criteria provided. Collection method: clinical testing. Allele origin: unknown. Not counted in ClinVar's aggregate classification.

Brotman Baty Institute, University of Washington
No classification provided (evidence only). Condition: Breast-ovarian cancer, familial 1. Review status: no classification provided. Collection method: in vitro. Allele origin: not applicable. Functional consequence: function_uncertain_variant. Not counted in ClinVar's aggregate classification.
ClinVar note: "not provided" was previously submitted as the classification for the variant. However, the classification appeared to be based only on an observation of functional data so it was converted to no classification on 2025-07-30.

Literature cited by the submitters: PubMed 24504028 (cited by 5 submitters); PubMed 34597585 (cited by Labcorp Genetics (formerly Invitae), Labcorp); PubMed 30209399 (cited by 3 submitters); PubMed 30257991 (cited by 3 submitters); PubMed 32546644 (cited by Labcorp Genetics (formerly Invitae), Labcorp); PubMed 22144684 (cited by Ambry Genetics and Women's Health and Genetics/Laboratory Corporation of America, LabCorp); PubMed 22505045 (cited by 3 submitters); PubMed 25348012 (cited by Ambry Genetics and Women's Health and Genetics/Laboratory Corporation of America, LabCorp); PubMed 20858050 (cited by Women's Health and Genetics/Laboratory Corporation of America, LabCorp).

NM_007294.4(BRCA1):c.5071A>G (p.Thr1691Ala)

Gene: BRCA1 (BRCA1 DNA repair associated; minus strand). Cytogenetic location: 17q21.31.
Variant type: single nucleotide variant.
Coding change: c.5071A>G on transcript NM_007294.4 (MANE Select); coding-DNA position 5071, A replaced by G.
Protein change: p.Thr1691Ala; replaces threonine 1691 with alanine.
Molecular consequence: missense variant. On other transcripts: non-coding transcript variant (1).
Genome position (GRCh38, 1-based): chr17:43,067,611, T>C on the plus strand (A>G on the coding strand, the complement: BRCA1 is on the minus strand). VCF-style: chr17-43067611-T-C. GRCh37 (hg19) VCF-style: chr17-41219628-T-C.
Other names: c.5068A>G, p.Thr1690Ala (NM_001407620.1, NM_001407621.1, NM_001407622.1 and 17 more transcripts); c.5065A>G, p.Thr1689Ala (NM_001407627.1, NM_001407628.1, NM_001407629.1 and 14 more transcripts); c.5062A>G, p.Thr1688Ala (NM_001407644.1, NM_001407645.1); c.5059A>G, p.Thr1687Ala (NM_001407646.1); c.5056A>G, p.Thr1686Ala (NM_001407647.1); c.5014A>G, p.Thr1672Ala (NM_001407648.1); c.5011A>G, p.Thr1671Ala (NM_001407649.1); c.4987A>G, p.Thr1663Ala (NM_001407661.1, NM_001407662.1, NM_001407663.1 and 2 more transcripts); and 70 more; short protein forms T1691A, T1712A, T587A, T1644A, T1522A, T1601A, T1624A, T1643A.
Identifiers: ClinVar variation 55371 (VCV000055371.28), dbSNP rs397509219, ClinGen allele CA003187.
Genomic context (GRCh38, chr17:43,067,611, plus strand): 5'-GCCTCATGTGGTTTTATGCAGCAGATGCAAGGTATTCTGTAAAGGTTCTTGGTATACCTG[T>C]TTTCATAACAACATGAGTAGTCTCTTCAGTAATTAGATTAGTTAAAGTGATGTGGTGTTT-3'
Protein context (NP_009225.1, residues 1681-1701): TEETTHVVMK[Thr1691Ala]DAEFVCERTL